The following is an entry in ClinVar:

ClinVar aggregate classification (germline): Pathogenic/Likely pathogenic. Review status: criteria provided, multiple submitters, no conflicts (2 of 4 stars). 2 submissions from 2 submitters: Pathogenic (1); Likely pathogenic (1). Last evaluated 2024-05-15.

Conditions:
Multiple acyl-CoA dehydrogenase deficiency (MADD). Also called: Glutaric acidemia type II; GA 2; Glutaric aciduria, type 2; ETHYLMALONIC-ADIPICACIDURIA; GA II; Glutaric Acidemia type 2. Identifiers: Orphanet 26791, MedGen C0268596, MONDO:0009282, OMIM 231680.

Allele frequency attached by ClinVar (database versions not stated): gnomAD exomes below 0.00001.
gnomAD v4.1: 2 of 1,595,340 alleles (0.00013%); highest among the groups gnomAD compares: South Asian, 0.0022%; no homozygotes.

Submissions (2):

Fulgent Genetics
Classification: Likely pathogenic for Multiple acyl-CoA dehydrogenase deficiency. Last evaluated: 2024-05-15. Review status: criteria provided, single submitter. Criteria: ACMG Guidelines, 2015. Collection method: clinical testing. Allele origin: germline.

Labcorp Genetics (formerly Invitae), Labcorp
Classification: Pathogenic for Multiple acyl-CoA dehydrogenase deficiency. Last evaluated: 2022-05-18. Review status: criteria provided, single submitter. Criteria: Invitae Variant Classification Sherloc (09022015). Collection method: clinical testing. Allele origin: germline.
Comment: This sequence change creates a premature translational stop signal (p.Lys426*) in the ETFDH gene. It is expected to result in an absent or disrupted protein product. Loss-of-function variants in ETFDH are known to be pathogenic (PMID: 16510302, 23785301). This variant is not present in population databases (gnomAD no frequency). This variant has not been reported in the literature in individuals affected with ETFDH-related conditions. For these reasons, this variant has been classified as Pathogenic.

Literature cited by the submitters: PubMed 16510302 (cited by Labcorp Genetics (formerly Invitae), Labcorp); PubMed 23785301 (cited by Labcorp Genetics (formerly Invitae), Labcorp).

NM_004453.4(ETFDH):c.1276A>T (p.Lys426Ter)

Gene: ETFDH (electron transfer flavoprotein dehydrogenase; plus strand). Cytogenetic location: 4q32.1.
Variant type: single nucleotide variant.
Coding change: c.1276A>T on transcript NM_004453.4 (MANE Select); coding-DNA position 1276, A replaced by T.
Protein change: p.Lys426Ter; replaces lysine 426 with a stop codon.
Molecular consequence: nonsense.
Genome position (GRCh38, 1-based): chr4:158,703,582, A>T. VCF-style: chr4-158703582-A-T. GRCh37 (hg19) VCF-style: chr4-159624734-A-T.
Other names: c.1135A>T, p.Lys379Ter (NM_001281737.2); c.1093A>T, p.Lys365Ter (NM_001281738.1); short protein forms K426*, K365*, K379*.
Identifiers: ClinVar variation 1995949 (VCV001995949.5), dbSNP rs2476721678, ClinGen allele CA358563107.